The following is an entry in ClinVar:

ClinVar aggregate classification (germline): Uncertain significance (1 of 4 stars; one submission).

Submission:

Labcorp Genetics (formerly Invitae), Labcorp
Classification: Uncertain significance. Last evaluated: 2021-11-03. Review status: criteria provided, single submitter. Criteria: Invitae Variant Classification Sherloc (09022015). Collection method: clinical testing. Allele origin: germline.
Comment: Algorithms developed to predict the effect of missense changes on protein structure and function (SIFT, PolyPhen-2, Align-GVGD) all suggest that this variant is likely to be disruptive. In summary, the available evidence is currently insufficient to determine the role of this variant in disease. Therefore, it has been classified as a Variant of Uncertain Significance. This variant has not been reported in the literature in individuals affected with EXTL3-related conditions. This variant is not present in population databases (gnomAD no frequency). This sequence change replaces arginine, which is basic and polar, with glycine, which is neutral and non-polar, at codon 672 of the EXTL3 protein (p.Arg672Gly).

NM_001440.4(EXTL3):c.2014C>G (p.Arg672Gly)

Gene: EXTL3 (exostosin like glycosyltransferase 3; plus strand). Cytogenetic location: 8p21.1.
Variant type: single nucleotide variant.
Coding change: c.2014C>G on transcript NM_001440.4 (MANE Select); coding-DNA position 2014, C replaced by G.
Protein change: p.Arg672Gly; replaces arginine 672 with glycine.
Molecular consequence: missense variant.
Genome position (GRCh38, 1-based): chr8:28,718,073, C>G. VCF-style: chr8-28718073-C-G. GRCh37 (hg19) VCF-style: chr8-28575590-C-G.
Other names: short protein forms R672G.
Identifiers: ClinVar variation 1381777 (VCV001381777.4), dbSNP rs2130742393, ClinGen allele CA370861284.